The following is an entry in ClinVar:

ClinVar aggregate classification (germline): Conflicting classifications of pathogenicity. Review status: criteria provided, conflicting classifications (1 of 4 stars). 7 submissions from 7 submitters: Uncertain significance (6); Likely benign (1). Last evaluated 2026-01-25.

Conditions:
Microcephaly 1, primary, autosomal recessive (MCPH1). Also called: PREMATURE CHROMOSOME CONDENSATION SYNDROME; PCC SYNDROME; PREMATURE CHROMOSOME CONDENSATION WITH MICROCEPHALY AND MENTAL RETARDATION. Identifiers: Orphanet 2512, MedGen C1855081, MONDO:0009617, OMIM 251200.

Allele frequency attached by ClinVar (database versions not stated): gnomAD exomes 0.00007 and 0.00014; ExAC 0.00012; 1000 Genomes Project 0.00020; ESP Exome Variant Server 0.00033; 1000 Genomes Project 30x 0.00047; TOPMed 0.00061; gnomAD 0.00063 and 0.00067.
gnomAD v4.1: 204 of 1,614,194 alleles (0.013%); highest among the groups gnomAD compares: African/African-American, 0.23%; no homozygotes.

Submissions (7):

Labcorp Genetics (formerly Invitae), Labcorp
Classification: Likely benign. Last evaluated: 2026-01-25. Review status: criteria provided, single submitter. Criteria: Invitae Variant Classification Sherloc (09022015). Collection method: clinical testing. Allele origin: germline.

Blueprint Genetics
Classification: Uncertain significance. Last evaluated: 2024-08-30. Review status: criteria provided, single submitter. Criteria: ACMG Guidelines, 2015. Collection method: clinical testing. Allele origin: germline.

GeneDx
Classification: Uncertain significance. Last evaluated: 2021-07-08. Review status: criteria provided, single submitter. Criteria: GeneDx Variant Classification Process June 2021. Collection method: clinical testing. Allele origin: germline. Affected: yes.
Comment: Reported in trans with the c.928G>A (p.V310I) variant in two siblings with primary microcephaly (Naseer et al., 2018); In silico analysis supports that this missense variant does not alter protein structure/function; This variant is associated with the following publications: (PMID: 30351297, 32714618, 31258591)

Fulgent Genetics
Classification: Uncertain significance for Microcephaly 1, primary, autosomal recessive. Last evaluated: 2018-10-31. Review status: criteria provided, single submitter. Criteria: ACMG Guidelines, 2015. Collection method: clinical testing. Allele origin: unknown.

Eurofins Ntd Llc (ga)
Classification: Uncertain significance. Last evaluated: 2018-06-11. Review status: criteria provided, single submitter. Criteria: EGL ClinVar v180209 classification definitions. Collection method: clinical testing. Allele origin: germline. Observed: 4 variant alleles, 4 heterozygotes.

Genetic Services Laboratory, University of Chicago
Classification: Uncertain significance for Microcephaly 1, primary, autosomal recessive. Last evaluated: 2013-11-25. Review status: criteria provided, single submitter. Criteria: ACMG Guidelines, 2007. Collection method: clinical testing. Allele origin: germline. Inheritance: Autosomal recessive inheritance.

Breakthrough Genomics
Classification: Uncertain significance. Review status: criteria provided, single submitter. Criteria: ACMG Guidelines, 2015. Collection method: not provided. Allele origin: germline. Inheritance: Autosomal recessive inheritance. Affected: yes.

NM_024596.5(MCPH1):c.1273T>A (p.Tyr425Asn)

Gene: MCPH1 (microcephalin 1; plus strand). Cytogenetic location: 8p23.1.
Variant type: single nucleotide variant.
Coding change: c.1273T>A on transcript NM_024596.5 (MANE Select); coding-DNA position 1273, T replaced by A.
Protein change: p.Tyr425Asn; replaces tyrosine 425 with asparagine.
Molecular consequence: missense variant. On other transcripts: non-coding transcript variant (1).
Genome position (GRCh38, 1-based): chr8:6,444,995, T>A. VCF-style: chr8-6444995-T-A. GRCh37 (hg19) VCF-style: chr8-6302516-T-A.
Other names: c.1273T>A, p.Tyr425Asn (NM_001172574.2, NM_001322042.2, NM_001363979.1 and 1 more transcripts); c.1129T>A, p.Tyr377Asn (NM_001172575.2); c.1267T>A, p.Tyr423Asn (NM_001322043.2); c.1171T>A, p.Tyr391Asn (NM_001322045.2); short protein forms Y425N, Y423N, Y377N, Y391N.
Identifiers: ClinVar variation 158818 (VCV000158818.20), dbSNP rs201261159, ClinGen allele CA271674.